The following is an entry in ClinVar:

ClinVar aggregate classification (germline): Pathogenic (1 of 4 stars; one submission).

Allele frequency attached by ClinVar (database versions not stated): TOPMed below 0.00001.

Submission:

Labcorp Genetics (formerly Invitae), Labcorp
Classification: Pathogenic. Last evaluated: 2023-02-09. Review status: criteria provided, single submitter. Criteria: Invitae Variant Classification Sherloc (09022015). Collection method: clinical testing. Allele origin: germline.
Comment: This sequence change creates a premature translational stop signal (p.Ser2249Lysfs*9) in the EYS gene. It is expected to result in an absent or disrupted protein product. Loss-of-function variants in EYS are known to be pathogenic (PMID: 18836446, 20333770). This variant is not present in population databases (gnomAD no frequency). This variant has not been reported in the literature in individuals affected with EYS-related conditions. For these reasons, this variant has been classified as Pathogenic.

Literature cited by the submitters: PubMed 18836446; PubMed 20333770.

NM_001142800.2(EYS):c.6745dup (p.Ser2249fs)

Gene: EYS (EGF-like photoreceptor maintenance factor; minus strand). Cytogenetic location: 6q12.
Variant type: Duplication.
Coding change: c.6745dup on transcript NM_001142800.2 (MANE Select); coding-DNA position 6745, one base duplicated (A; older notation c.6745dupA).
Protein change: p.Ser2249fs; shifts the reading frame from serine 2249.
Molecular consequence: frameshift variant.
Genome position (GRCh38, 1-based): chr6:63,999,164, T duplicated on the plus strand (A on the coding strand, the reverse complement: EYS is on the minus strand). VCF-style (leftmost placement, unchanged base first): chr6-63999163-C-CT. GRCh37 (hg19) VCF-style: chr6-64709056-C-CT.
Other names: c.6745dup, p.Ser2249fs (NM_001292009.2); short protein forms S2249fs.
Identifiers: ClinVar variation 2835814 (VCV002835814.3), dbSNP rs1216312399, ClinGen allele CA827020125.
Genomic context (GRCh38, chr6:63,999,163, plus strand): 5'-TTCTTCTGTACTGGAGGTTTTCCATCTGCAGTCATTTCAATCATACAAACAACTCCAGGG[C>CT]TGCCAACAGGCGTTGTGTAGCTAAACGTAAAACAGAAGAGGCCATTATGATATGTGTTTT-3'